The following is an entry in ClinVar:

ClinVar aggregate classification (germline): Conflicting classifications of pathogenicity. Review status: criteria provided, conflicting classifications (1 of 4 stars). 4 submissions from 4 submitters: Uncertain significance (2); Benign (2). Last evaluated 2022-07-01.

Conditions:
Maturity-onset diabetes of the young type 3. Also called: MODY, type III; MODY type 3. Identifiers: Orphanet 552, MedGen C1838100, MeSH C563933, MONDO:0010894, OMIM 600496. Disease mechanism: loss of function.
Maturity-onset diabetes of the young (MODY). Also called: Maturity onset diabetes mellitus in young. Identifiers: Orphanet 552, MedGen C0342276, MONDO:0018911, HP:0004904.

Allele frequency attached by ClinVar (database versions not stated): gnomAD 0.00045; gnomAD exomes 0.00069 and 0.00074; TOPMed 0.00094; ExAC 0.00010; 1000 Genomes Project 30x 0.00031.
gnomAD v4.1: 372 of 509,768 alleles (0.073%); highest among the groups gnomAD compares: Non-Finnish European, 0.12%; 1 homozygote.

Submissions (4):

CeGaT Center for Human Genetics Tuebingen
Classification: Benign. Last evaluated: 2022-07-01. Review status: criteria provided, single submitter. Criteria: CeGaT Center For Human Genetics Tuebingen Variant Classification Criteria Version 2. Collection method: clinical testing. Allele origin: germline. Affected: yes. Observed: 1 variant allele.
Comment: HNF1A: BS1, BS2

Illumina Laboratory Services, Illumina
Classification: Uncertain significance for Maturity-onset diabetes of the young type 3. Last evaluated: 2018-01-13. Review status: criteria provided, single submitter. Criteria: ICSL Variant Classification Criteria 13 December 2019. Collection method: clinical testing. Allele origin: germline.

Breakthrough Genomics
Classification: Uncertain significance. Review status: criteria provided, single submitter. Criteria: ACMG Guidelines, 2015. Collection method: not provided. Allele origin: germline. Inheritance: Autosomal recessive inheritance. Affected: yes.

Clinical Genomics, Uppaluri K&H Personalized Medicine Clinic
Classification: Benign for Maturity-onset diabetes of the young. Review status: criteria provided, single submitter. Criteria: K & H Uppaluri Personalized Medicine Clinic Variant Classification & Assertion Criteria_Updated V.1. Collection method: research. Allele origin: unknown. Inheritance: Autosomal dominant inheritance.
Comment: Mutations in HNF1A gene can predispose to MODY3. It is associated with both micro and macrovascular complications of diabetes, especially cardiovascular complications. Associated with glucosuria. May respond well to sulfonylureas. However, more evidence is required to confer the association of this particular variant rs56335342 with MODY3.

Literature cited by the submitters: PubMed 31517624 (cited by Clinical Genomics, Uppaluri K&H Personalized Medicine Clinic); PubMed 32395877 (cited by Clinical Genomics, Uppaluri K&H Personalized Medicine Clinic); PubMed 35328643 (cited by Clinical Genomics, Uppaluri K&H Personalized Medicine Clinic); PubMed 35673428 (cited by Clinical Genomics, Uppaluri K&H Personalized Medicine Clinic).

NM_000545.8(HNF1A):c.*1312C>T

Genes: C12orf43 (chromosome 12 open reading frame 43; minus strand), HNF1A (HNF1 homeobox A; plus strand). Cytogenetic location: 12q24.31.
Variant type: single nucleotide variant.
Coding change: c.*1312C>T on transcript NM_000545.8 (MANE Select); 1312 bases downstream of the stop codon, C replaced by T.
Molecular consequence: 3 prime UTR variant. On other transcripts: non-coding transcript variant (1).
Genome position (GRCh38, 1-based): chr12:121,002,504, C>T. VCF-style: chr12-121002504-C-T. GRCh37 (hg19) VCF-style: chr12-121440307-C-T.
Other names: c.*1649G>A (NM_001286191.2, NM_001286192.2, NM_001286195.2 and 4 more transcripts); c.*1312C>T (NM_001306179.2, NM_001406915.1).
Identifiers: ClinVar variation 307476 (VCV000307476.31), dbSNP rs56335342, ClinGen allele CA6832252.